The following is an entry in ClinVar:

NC_000017.10:g.(?_80828080)_(80901020_?)dup

Gene: TBCD (tubulin folding cofactor D). Cytogenetic location: 17q25.3.
Variant type: Duplication.
Identifiers: ClinVar variation 2425454 (VCV002425454.3).

ClinVar aggregate classification (germline): Uncertain significance (1 of 4 stars; one submission).

Submission:

Labcorp Genetics (formerly Invitae), Labcorp
Classification: Uncertain significance. Last evaluated: 2022-06-05. Review status: criteria provided, single submitter. Criteria: Invitae Variant Classification Sherloc (09022015). Collection method: clinical testing. Allele origin: germline.
Comment: This variant results in a copy number gain of the genomic region encompassing exon(s) 14-39 of the TBCD gene. This region includes the termination codon of the gene. This copy number gain extends beyond the assayed region for this gene and therefore may encompass additional genes. As the precise location of this event is unknown, it may be in tandem or it may be located elsewhere in the genome. This variant has not been reported in the literature in individuals affected with TBCD-related conditions. Experimental studies and prediction algorithms are not available or were not evaluated, and the functional significance of this variant is currently unknown. In summary, the available evidence is currently insufficient to determine the role of this variant in disease. Therefore, it has been classified as a Variant of Uncertain Significance.